The following is an entry in ClinVar:

ClinVar aggregate classification (germline): Uncertain significance. Review status: criteria provided, multiple submitters, no conflicts (2 of 4 stars). 2 submissions from 2 submitters: Uncertain significance (2). Last evaluated 2024-09-24.

gnomAD v4.1: 1 of 1,613,042 alleles (0.000062%); no homozygotes.

Submissions (2):

Blueprint Genetics
Classification: Uncertain significance. Last evaluated: 2024-09-24. Review status: criteria provided, single submitter. Criteria: ACMG Guidelines, 2015. Collection method: clinical testing. Allele origin: germline.

Labcorp Genetics (formerly Invitae), Labcorp
Classification: Uncertain significance. Last evaluated: 2024-06-21. Review status: criteria provided, single submitter. Criteria: Invitae Variant Classification Sherloc (09022015). Collection method: clinical testing. Allele origin: germline.
Comment: This sequence change replaces histidine, which is basic and polar, with tyrosine, which is neutral and polar, at codon 491 of the CFB protein (p.His491Tyr). This variant is not present in population databases (gnomAD no frequency). This variant has not been reported in the literature in individuals affected with CFB-related conditions. Advanced modeling of protein sequence and biophysical properties (such as structural, functional, and spatial information, amino acid conservation, physicochemical variation, residue mobility, and thermodynamic stability) performed at Invitae indicates that this missense variant is not expected to disrupt CFB protein function with a negative predictive value of 80%. In summary, the available evidence is currently insufficient to determine the role of this variant in disease. Therefore, it has been classified as a Variant of Uncertain Significance.

NM_001710.6(CFB):c.1471C>T (p.His491Tyr)

Gene: CFB (complement factor B; plus strand). Cytogenetic location: 6p21.33.
Variant type: single nucleotide variant.
Coding change: c.1471C>T on transcript NM_001710.6 (MANE Select); coding-DNA position 1471, C replaced by T.
Protein change: p.His491Tyr; replaces histidine 491 with tyrosine.
Molecular consequence: missense variant.
Genome position (GRCh38, 1-based): chr6:31,950,112, C>T. VCF-style: chr6-31950112-C-T. GRCh37 (hg19) VCF-style: chr6-31917889-C-T.
Other names: short protein forms H491Y.
Identifiers: ClinVar variation 3607404 (VCV003607404.3).
Genomic context (GRCh38, chr6:31,950,112, plus strand): 5'-GAAAGCCAGTCTCTGAGTCTCTGTGGCATGGTTTGGGAACACAGGAAGGGTACCGATTAC[C>T]ACAAGCAACCATGGCAGGCCAAGATCTCAGTCATTGTAAGCACAGAATCCCAGTAGTGGG-3'
Protein context (NP_001701.2, residues 481-501): VWEHRKGTDY[His491Tyr]KQPWQAKISV